The following is an entry in ClinVar:

NM_017868.4(TTC12):c.1719AGG[1] (p.Gly575del)

Gene: TTC12 (tetratricopeptide repeat domain 12; plus strand). Cytogenetic location: 11q23.2.
Variant type: Microsatellite.
Coding change: c.1719AGG[1] on transcript NM_017868.4 (MANE Select); one copy of the 3-base unit AGG starting at c.1719; the reference has two copies in a row; one copy, 3 bases deleted; also written c.1722_1724del.
Protein change: p.Gly575del; deletes glycine 575.
Molecular consequence: inframe deletion. On other transcripts: non-coding transcript variant (3).
Genome position (GRCh38, 1-based): chr11:113,363,833-113,363,835, AGG deleted; deleting any 3 consecutive bases within chr11:113,363,830-113,363,835 gives the same sequence; the position shown is the placement nearest the transcript's 3' end. VCF-style (leftmost placement, unchanged base first): chr11-113363829-CAGG-C. GRCh37 (hg19) VCF-style: chr11-113234551-CAGG-C.
Other names: NC_000011.9:g.113234555_113234557del; c.1722_1724del (NM_017868.4); c.1737AGG[1], p.Gly581del (NM_001318533.2); c.1644AGG[1], p.Gly550del (NM_001352037.2); c.1722AGG[1], p.Gly576del (NM_001378063.1); c.1719AGG[1], p.Gly575del (NM_001378064.1, NM_001378065.1); short protein forms G550del, G575del, G576del, G581del.
Identifiers: ClinVar variation 4283472 (VCV004283472.2).

ClinVar aggregate classification (germline): Uncertain significance (1 of 4 stars; one submission).

Conditions:
Ciliary dyskinesia, primary, 45. Also called: CILIARY DYSKINESIA, PRIMARY, 45, WITHOUT SITUS INVERSUS. Identifiers: MedGen C5394104, MONDO:0032924, OMIM 618801.

Submissions (2):

Institute of Human Genetics, University of Leipzig Medical Center
Classification: Uncertain significance for Ciliary dyskinesia, primary, 45. Last evaluated: 2026-04-13. Review status: criteria provided, single submitter. Criteria: ACMG Guidelines, 2015. Collection method: clinical testing. Allele origin: unknown. Inheritance: Autosomal recessive inheritance. Affected: yes.
Comment: Criteria applied: PM2_SUP,PP3

Dr. Peter K. Rogan Lab, Western University
No classification provided (evidence only). Condition: Gastric cancer. Review status: no classification provided. Collection method: in vitro. Allele origin: not applicable. Functional consequence: retained intron. Not counted in ClinVar's aggregate classification.